The following is an entry in ClinVar:

ClinVar aggregate classification (germline): Likely benign (1 of 4 stars; one submission).

Conditions:
VMA22-related condition.

gnomAD v4.1: 155 of 1,610,636 alleles (0.0096%); highest among the groups gnomAD compares: Non-Finnish European, 0.011%; no homozygotes.

Submission:

PreventionGenetics, part of Exact Sciences
Classification: Likely benign for VMA22-related condition. Last evaluated: 2026-08-17. Review status: criteria provided, single submitter. Criteria: ACMG Guidelines, 2015. Collection method: clinical testing. Allele origin: germline.
Comment: This variant is classified as likely benign based on ACMG/AMP sequence variant interpretation guidelines (Richards et al. 2015 PMID: 25741868, with internal and published modifications).

NM_032357.4(VMA22):c.216-6C>T

Gene: VMA22 (vacuolar ATPase assembly factor VMA22; minus strand). Cytogenetic location: 2q21.1.
Variant type: single nucleotide variant.
Coding change: c.216-6C>T on transcript NM_032357.4 (MANE Select); 6 bases into the intron before coding-DNA position 216, C replaced by T.
Molecular consequence: intron variant.
Genome position (GRCh38, 1-based): chr2:130,341,755, G>A on the plus strand (C>T on the coding strand, the complement: VMA22 is on the minus strand). VCF-style: chr2-130341755-G-A. GRCh37 (hg19) VCF-style: chr2-131099328-G-A.
Other names: c.201-6C>T (NM_001321118.1); c.192-6C>T (NM_001321119.2).
Identifiers: ClinVar variation 4981791 (VCV004981791.1).
Genomic context (GRCh38, chr2:130,341,755, plus strand): 5'-GGCGTGGACACCAGCTCTCACCACCTTGAACTTCTGGAGTCCCTCCTGGGCCTCGCTGAA[G>A]GACGAGAAGGGAGGATGGAGCTTTGGCAGCCCGGGCCTAGAACGCGCCCGCCCGCCCACC-3'